The following is an entry in ClinVar:

ClinVar aggregate classification (germline): Likely benign (1 of 4 stars; one submission).

Allele frequency attached by ClinVar (database versions not stated): TOPMed below 0.00001; gnomAD 0.00001; gnomAD exomes 0.00001.
gnomAD v4.1: 13 of 1,609,228 alleles (0.00081%); highest among the groups gnomAD compares: African/African-American, 0.0013%; no homozygotes.

Submission:

CeGaT Center for Human Genetics Tuebingen
Classification: Likely benign. Last evaluated: 2022-04-01. Review status: criteria provided, single submitter. Criteria: CeGaT Center For Human Genetics Tuebingen Variant Classification Criteria Version 2. Collection method: clinical testing. Allele origin: germline. Affected: yes. Observed: 1 variant allele.
Comment: CSNK1D: BP4, BP7

NM_001893.6(CSNK1D):c.1155C>T (p.Asp385=)

Gene: CSNK1D (casein kinase 1 delta; minus strand). Cytogenetic location: 17q25.3.
Variant type: single nucleotide variant.
Coding change: c.1155C>T on transcript NM_001893.6 (MANE Select); coding-DNA position 1155, C replaced by T.
Protein change: p.Asp385=; no amino-acid change (aspartic acid 385 retained).
Molecular consequence: synonymous variant. On other transcripts: non-coding transcript variant (1).
Genome position (GRCh38, 1-based): chr17:82,248,917, G>A on the plus strand (C>T on the coding strand, the complement: CSNK1D is on the minus strand). VCF-style: chr17-82248917-G-A. GRCh37 (hg19) VCF-style: chr17-80206793-G-A.
Other names: c.1155C>T, p.Asp385= (NM_001363749.2, NM_139062.4).
Identifiers: ClinVar variation 2648493 (VCV002648493.24), dbSNP rs1435700605, ClinGen allele CA502354212.